The following is an entry in ClinVar:

NM_006059.4(LAMC3):c.963C>T (p.Ala321=)

Gene: LAMC3 (laminin subunit gamma 3; plus strand). Cytogenetic location: 9q34.12.
Variant type: single nucleotide variant.
Coding change: c.963C>T on transcript NM_006059.4 (MANE Select); coding-DNA position 963, C replaced by T.
Protein change: p.Ala321=; no amino-acid change (alanine 321 retained).
Molecular consequence: synonymous variant.
Genome position (GRCh38, 1-based): chr9:131,036,319, C>T. VCF-style: chr9-131036319-C-T. GRCh37 (hg19) VCF-style: chr9-133911706-C-T.
Identifiers: ClinVar variation 129477 (VCV000129477.20), dbSNP rs2275131, ClinGen allele CA153520.

ClinVar aggregate classification (germline): Benign. Review status: criteria provided, multiple submitters, no conflicts (2 of 4 stars). 8 submissions from 8 submitters: Benign (5). 3 of the submissions do not count toward it. Last evaluated 2026-02-04.

Conditions:
Occipital pachygyria and polymicrogyria. Identifiers: Orphanet 280640, MedGen C3279875, MONDO:0013583, OMIM 614115.

Allele frequency attached by ClinVar (database versions not stated): 1000 Genomes Project 30x 0.39319; ESP Exome Variant Server 0.39668; 1000 Genomes Project 0.39836; gnomAD 0.40359 and 0.40613; TOPMed 0.41033; ExAC 0.45579; gnomAD exomes 0.46087 and 0.47510.
gnomAD v4.1: 755,030 of 1,612,512 alleles (47%); highest among the groups gnomAD compares: East Asian, 62%; 182,171 homozygotes.

Submissions (8):

Labcorp Genetics (formerly Invitae), Labcorp
Classification: Benign. Last evaluated: 2026-02-04. Review status: criteria provided, single submitter. Criteria: Invitae Variant Classification Sherloc (09022015). Collection method: clinical testing. Allele origin: germline.

Blueprint Genetics
Classification: Benign. Last evaluated: 2024-11-27. Review status: criteria provided, single submitter. Criteria: ACMG Guidelines, 2015. Collection method: clinical testing. Allele origin: germline.

Genome-Nilou Lab
Classification: Benign for Occipital pachygyria and polymicrogyria. Last evaluated: 2021-08-19. Review status: criteria provided, single submitter. Criteria: ACMG Guidelines, 2015. Collection method: clinical testing. Allele origin: germline. Affected: no.

GeneDx
Classification: Benign. Last evaluated: 2015-03-03. Review status: criteria provided, single submitter. Criteria: GeneDx Variant Classification Process June 2021. Collection method: clinical testing. Allele origin: germline. Affected: yes.

Breakthrough Genomics
Classification: Benign. Review status: criteria provided, single submitter. Criteria: ACMG Guidelines, 2015. Collection method: not provided. Allele origin: germline. Inheritance: Autosomal recessive inheritance. Affected: yes.

Clinical Genetics DNA and cytogenetics Diagnostics Lab, Erasmus MC, Erasmus Medical Center
Classification: Benign. Review status: no assertion criteria provided. Collection method: clinical testing. Allele origin: germline. Affected: yes. Study: VKGL Data-share Consensus. Not counted in ClinVar's aggregate classification.

Diagnostic Laboratory, Department of Genetics, University Medical Center Groningen
Classification: Benign for Occipital pachygyria and polymicrogyria. Review status: no assertion criteria provided. Collection method: clinical testing. Allele origin: germline. Affected: yes. Study: VKGL Data-share Consensus. Not counted in ClinVar's aggregate classification.

Genetic Services Laboratory, University of Chicago
Classification: Likely benign for AllHighlyPenetrant. Review status: no assertion criteria provided. Collection method: clinical testing. Allele origin: germline. Inheritance: X-linked inheritance. Not counted in ClinVar's aggregate classification.
Comment: Likely benign based on allele frequency in 1000 Genomes Project or ESP global frequency and its presence in a patient with a rare or unrelated disease phenotype. NOT Sanger confirmed.